The following is an entry in ClinVar:

ClinVar aggregate classification (germline): Benign/Likely benign. Review status: criteria provided, multiple submitters, no conflicts (2 of 4 stars). 2 submissions from 2 submitters: Benign (1); Likely benign (1). Last evaluated 2025-03-25.

Conditions:
Peutz-Jeghers syndrome (PJS). Also called: POLYPOSIS, HAMARTOMATOUS INTESTINAL; POLYPS-AND-SPOTS SYNDROME; Peutz-Jeghers polyposis; Periorificial lentiginosis syndrome. Identifiers: Orphanet 2869, MedGen C0031269, MeSH D010580, MONDO:0008280, OMIM 175200.
Hereditary cancer-predisposing syndrome. Also called: Hereditary Cancer Syndrome; Hereditary neoplastic syndrome; Tumor predisposition; Neoplastic Syndromes, Hereditary. Identifiers: Orphanet 140162, MedGen C0027672, MeSH D009386, MONDO:0015356.

Submissions (2):

Myriad Genetics, Inc.
Classification: Benign for Peutz-Jeghers syndrome. Last evaluated: 2025-03-25. Review status: criteria provided, single submitter. Criteria: Myriad Autosomal Dominant, Autosomal Recessive and X-Linked Classification Criteria (2023). Collection method: clinical testing. Allele origin: unknown.
Comment: This variant is considered benign. This variant is a silent/synonymous amino acid change and it is not expected to impact splicing.

Ambry Genetics
Classification: Likely benign for Hereditary cancer-predisposing syndrome. Last evaluated: 2025-01-03. Review status: criteria provided, single submitter. Criteria: Ambry Variant Classification Scheme 2023. Collection method: clinical testing. Allele origin: germline.

NM_000455.5(STK11):c.313T>C (p.Leu105=)

Gene: STK11 (serine/threonine kinase 11; plus strand). Cytogenetic location: 19p13.3.
Variant type: single nucleotide variant.
Coding change: c.313T>C on transcript NM_000455.5 (MANE Select); coding-DNA position 313, T replaced by C.
Protein change: p.Leu105=; no amino-acid change (leucine 105 retained).
Molecular consequence: synonymous variant. On other transcripts: non-coding transcript variant (1).
Genome position (GRCh38, 1-based): chr19:1,218,439, T>C. VCF-style: chr19-1218439-T-C. GRCh37 (hg19) VCF-style: chr19-1218438-T-C.
Other names: c.313T>C, p.Leu105= (NM_001407255.1).
Identifiers: ClinVar variation 3802391 (VCV003802391.2).